The following is an entry in ClinVar:

NM_001194.4(HCN2):c.1319A>G (p.Asp440Gly)

Gene: HCN2 (hyperpolarization activated cyclic nucleotide gated potassium and sodium channel 2; plus strand). Cytogenetic location: 19p13.3.
Variant type: single nucleotide variant.
Coding change: c.1319A>G on transcript NM_001194.4 (MANE Select); coding-DNA position 1319, A replaced by G.
Protein change: p.Asp440Gly; replaces aspartic acid 440 with glycine.
Molecular consequence: missense variant.
Genome position (GRCh38, 1-based): chr19:608,064, A>G. VCF-style: chr19-608064-A-G. GRCh37 (hg19) VCF-style: chr19-608064-A-G.
Other names: short protein forms D440G.
Identifiers: ClinVar variation 5017651 (VCV005017651.1).
Genomic context (GRCh38, chr19:608,064, plus strand): 5'-AGGCCATGAGCCACATGCTGTGCATCGGGTACGGCCGGCAGGCGCCCGAGAGCATGACGG[A>G]CATCTGGCTGACCATGCTCAGCATGATTGTGGGTGCCACCTGCTACGCCATGTTCATCGG-3'
Protein context (NP_001185.3, residues 430-450): YGRQAPESMT[Asp440Gly]IWLTMLSMIV

ClinVar aggregate classification (germline): Uncertain significance (1 of 4 stars; one submission).

Submission:

GeneDx
Classification: Uncertain significance. Last evaluated: 2026-03-27. Review status: criteria provided, single submitter. Criteria: GeneDx Variant Classification Process June 2021. Collection method: clinical testing. Allele origin: germline.
Comment: Not observed at significant frequency in large population cohorts (gnomAD); In silico analysis supports that this missense variant has a deleterious effect on protein structure/function; Has not been previously published as pathogenic or benign to our knowledge